The following is an entry in ClinVar:

ClinVar aggregate classification (germline): Likely benign (0 of 4 stars; one submission).

Conditions:
MAP1B-related disorder. Also called: MAP1B-related condition.

Submission:

PreventionGenetics, part of Exact Sciences
Classification: Likely benign for MAP1B-related condition. Last evaluated: 2022-09-01. Review status: no assertion criteria provided. Collection method: clinical testing. Allele origin: germline.
Comment: This variant is classified as likely benign based on ACMG/AMP sequence variant interpretation guidelines (Richards et al. 2015 PMID: 25741868, with internal and published modifications).

NM_005909.5(MAP1B):c.2354_2356del (p.Ile785del)

Gene: MAP1B (microtubule associated protein 1B; plus strand). Cytogenetic location: 5q13.2.
Variant type: Deletion.
Coding change: c.2354_2356del on transcript NM_005909.5 (MANE Select); coding-DNA positions 2354 to 2356, 3 bases deleted (TTA; older notation c.2354_2356delTTA).
Protein change: p.Ile785del; deletes isoleucine 785.
Genome position (GRCh38, 1-based): chr5:72,195,709-72,195,711, TTA deleted; deleting any 3 consecutive bases within chr5:72,195,708-72,195,711 gives the same sequence; the c. name uses the placement nearest the transcript's 3' end. VCF-style (leftmost placement, unchanged base first): chr5-72195707-CATT-C. GRCh37 (hg19) VCF-style: chr5-71491534-CATT-C.
Other names: c.1976_1978del, p.Ile659del (NM_001324255.2); short protein forms I659del, I785del.
Identifiers: ClinVar variation 3040675 (VCV003040675.2), dbSNP rs766247448, ClinGen allele CA3298806.